The following is an entry in ClinVar:

ClinVar aggregate classification (germline): Uncertain significance (1 of 4 stars; one submission).

Submission:

Ambry Genetics
Classification: Uncertain significance. Last evaluated: 2025-06-14. Review status: criteria provided, single submitter. Criteria: Ambry Variant Classification Scheme 2023. Collection method: clinical testing. Allele origin: germline.
Comment: The p.L1232W variant (also known as c.3695T>G), located in coding exon 33 of the KIF1B gene, results from a T to G substitution at nucleotide position 3695. The leucine at codon 1232 is replaced by tryptophan, an amino acid with similar properties. This amino acid position is conserved. In addition, the in silico prediction for this alteration is inconclusive. Based on the available evidence, the clinical significance of this variant remains unclear.

NM_001365951.3(KIF1B):c.3833T>G (p.Leu1278Trp)

Gene: KIF1B (kinesin family member 1B; plus strand). Cytogenetic location: 1p36.22.
Variant type: single nucleotide variant.
Coding change: c.3833T>G on transcript NM_001365951.3 (MANE Select); coding-DNA position 3833, T replaced by G.
Protein change: p.Leu1278Trp; replaces leucine 1278 with tryptophan.
Molecular consequence: missense variant.
Genome position (GRCh38, 1-based): chr1:10,347,796, T>G. VCF-style: chr1-10347796-T-G. GRCh37 (hg19) VCF-style: chr1-10407854-T-G.
Other names: c.3833T>G, p.Leu1278Trp (NM_001365952.1); c.3695T>G, p.Leu1232Trp (NM_015074.3); short protein forms L1278W, L1232W.
Identifiers: ClinVar variation 4043176 (VCV004043176.1).
Genomic context (GRCh38, chr1:10,347,796, plus strand): 5'-TTTCTTTTGCGTTTCTATTTTTTAGGTATATCCCAGCTGTGGTTGACCACACAGCAGGCT[T>G]GCCTTGCCAGGGGACATTTTTGCTTCATCAGGTACTAATGAGGGACCAAAACAGGCATCG-3'
Protein context (NP_001352880.1, residues 1268-1288): IPAVVDHTAG[Leu1278Trp]PCQGTFLLHQ